The following is an entry in ClinVar:

NM_182931.3(KMT2E):c.2631T>C (p.Tyr877=)

Gene: KMT2E (lysine methyltransferase 2E (inactive); plus strand). Cytogenetic location: 7q22.3.
Variant type: single nucleotide variant.
Coding change: c.2631T>C on transcript NM_182931.3 (MANE Select); coding-DNA position 2631, T replaced by C.
Protein change: p.Tyr877=; no amino-acid change (tyrosine 877 retained).
Molecular consequence: synonymous variant.
Genome position (GRCh38, 1-based): chr7:105,106,556, T>C. VCF-style: chr7-105106556-T-C. GRCh37 (hg19) VCF-style: chr7-104747003-T-C.
Other names: c.2631T>C, p.Tyr877= (NM_001410908.1, NM_018682.4); c.2631T>C (NM_182931.2).
Identifiers: ClinVar variation 2884564 (VCV002884564.5), dbSNP rs200933164, ClinGen allele CA4424276.

ClinVar aggregate classification (germline): Likely benign. Review status: criteria provided, single submitter (1 of 4 stars). 2 submissions from 2 submitters: Likely benign (1). 1 of the submissions does not count toward it. Last evaluated 2023-12-23.

Conditions:
KMT2E-related disorder. Also called: KMT2E-related condition.

Allele frequency attached by ClinVar (database versions not stated): gnomAD exomes 0.00005; TOPMed 0.00006; ExAC 0.00007; ESP Exome Variant Server 0.00008; gnomAD 0.00008; 1000 Genomes Project 30x 0.00016; 1000 Genomes Project 0.00020.
gnomAD v4.1: 88 of 1,612,336 alleles (0.0055%); highest among the groups gnomAD compares: Non-Finnish European, 0.007%; no homozygotes.

Submissions (2):

Labcorp Genetics (formerly Invitae), Labcorp
Classification: Likely benign. Last evaluated: 2023-12-23. Review status: criteria provided, single submitter. Criteria: Invitae Variant Classification Sherloc (09022015). Collection method: clinical testing. Allele origin: germline.

PreventionGenetics, part of Exact Sciences
Classification: Likely benign for KMT2E-related condition. Last evaluated: 2019-03-27. Review status: no assertion criteria provided. Collection method: clinical testing. Allele origin: germline. Not counted in ClinVar's aggregate classification.
Comment: This variant is classified as likely benign based on ACMG/AMP sequence variant interpretation guidelines (Richards et al. 2015 PMID: 25741868, with internal and published modifications).